The following is an entry in ClinVar:

ClinVar aggregate classification (germline): Uncertain significance. Review status: criteria provided, multiple submitters, no conflicts (2 of 4 stars). 4 submissions from 4 submitters: Uncertain significance (4). Last evaluated 2024-09-01.

Conditions:
Familial thoracic aortic aneurysm and aortic dissection (TAAD). Also called: Thoracic aortic aneurysms and dissections. Identifiers: Orphanet 91387, MedGen C4707243, MONDO:0019625.

Allele frequency attached by ClinVar (database versions not stated): ExAC 0.00001; gnomAD 0.00001; gnomAD exomes 0.00001; TOPMed 0.00001.
gnomAD v4.1: 10 of 1,614,008 alleles (0.00062%); highest among the groups gnomAD compares: Admixed American, 0.0067%; no homozygotes.

Submissions (4):

CeGaT Center for Human Genetics Tuebingen
Classification: Uncertain significance. Last evaluated: 2024-09-01. Review status: criteria provided, single submitter. Criteria: CeGaT Center For Human Genetics Tuebingen Variant Classification Criteria Version 2. Collection method: clinical testing. Allele origin: germline. Affected: yes. Observed: 1 variant allele.
Comment: MYH11: PM2, PP3

Ambry Genetics
Classification: Uncertain significance for Familial thoracic aortic aneurysm and aortic dissection. Last evaluated: 2023-10-16. Review status: criteria provided, single submitter. Criteria: Ambry Variant Classification Scheme 2023. Collection method: clinical testing. Allele origin: germline.
Comment: The p.A825T variant (also known as c.2473G>A), located in coding exon 19 of the MYH11 gene, results from a G to A substitution at nucleotide position 2473. The alanine at codon 825 is replaced by threonine, an amino acid with similar properties. This amino acid position is conserved. In addition, the in silico prediction for this alteration is inconclusive. Since supporting evidence is limited at this time, the clinical significance of this alteration remains unclear.

All of Us Research Program, National Institutes of Health
Classification: Uncertain significance for Familial thoracic aortic aneurysm and aortic dissection. Last evaluated: 2023-05-16. Review status: criteria provided, single submitter. Criteria: ACMG Guidelines, 2015. Collection method: clinical testing. Allele origin: germline. Inheritance: Autosomal dominant inheritance. Observed: 1 variant allele, 1 heterozygote.
Comment: This missense variant replaces alanine with threonine at codon 832 of the MYH11 protein. Computational prediction is inconclusive regarding the impact of this variant on protein structure and function (internally defined REVEL score threshold 0.5 < inconclusive < 0.7, PMID: 27666373). To our knowledge, functional studies have not been reported for this variant. This variant has not been reported in individuals affected with MYH11-related disorders in the literature. This variant has been identified in 2/251432 chromosomes in the general population by the Genome Aggregation Database (gnomAD). The available evidence is insufficient to determine the role of this variant in disease conclusively. Therefore, this variant is classified as a Variant of Uncertain Significance.

This study involves interpretation of variants in research participants for the purpose of population health screening. Participant phenotype was not available at the time of variant classification. Additional details can be found in publication PMID: 35346344, PMCID: PMC8962531

GeneDx
Classification: Uncertain significance. Last evaluated: 2022-08-16. Review status: criteria provided, single submitter. Criteria: GeneDx Variant Classification Process June 2021. Collection method: clinical testing. Allele origin: germline. Affected: yes.
Comment: Has not been previously published as pathogenic or benign to our knowledge; Not observed at significant frequency in large population cohorts (gnomAD); In silico analysis supports that this missense variant has a deleterious effect on protein structure/function

NM_002474.3(MYH11):c.2473G>A (p.Ala825Thr)

Gene: MYH11 (myosin heavy chain 11; minus strand). Cytogenetic location: 16p13.11.
Variant type: single nucleotide variant.
Coding change: c.2473G>A on transcript NM_002474.3 (MANE Select); coding-DNA position 2473, G replaced by A.
Protein change: p.Ala825Thr; replaces alanine 825 with threonine.
Molecular consequence: missense variant.
Genome position (GRCh38, 1-based): chr16:15,745,176, C>T on the plus strand (G>A on the coding strand, the complement: MYH11 is on the minus strand). VCF-style: chr16-15745176-C-T. GRCh37 (hg19) VCF-style: chr16-15839033-C-T.
Other names: c.2494G>A, p.Ala832Thr (NM_001040113.2, NM_001040114.2); c.2473G>A, p.Ala825Thr (NM_022844.3); short protein forms A825T, A832T.
Identifiers: ClinVar variation 2430739 (VCV002430739.17), dbSNP rs748629055, ClinGen allele CA7922261.
Genomic context (GRCh38, chr16:15,745,176, plus strand): 5'-GCAGAGCACTCACTTTGGTGAAAAGCCTCCACCACTGCCAGTTCCGCAGCTTGAGGTAGG[C>T]GGCGCAGTTCCTCTGAATCACCTTCATGGCGGTCAGCTGCTGCTGCCTCTTGGCAAAAGC-3'
Protein context (NP_002465.1, residues 815-835): AMKVIQRNCA[Ala825Thr]YLKLRNWQWW